The following is an entry in ClinVar:

ClinVar aggregate classification (germline): Uncertain significance (1 of 4 stars; one submission).

Conditions:
Intellectual disability, X-linked 102 (MRXSSB). Also called: Intellectual developmental disorder, X-linked syndromic, Snijders Blok type. Identifiers: Orphanet 457260, MedGen C5393299, MONDO:0010497, OMIM 300958.

Submission:

Victorian Clinical Genetics Services, Murdoch Childrens Research Institute
Classification: Uncertain significance for Intellectual disability, X-linked 102. Last evaluated: 2020-06-11. Review status: criteria provided, single submitter. Criteria: ACMG Guidelines, 2015. Collection method: clinical testing. Allele origin: germline. Affected: yes.
Comment: Based on the classification scheme VCGS_Germline_v1.1.1, this variant is classified as a 3B-VUS. Following criteria are met: 0102 - Loss-of-function is a known mechanism of disease for this gene. Missense variants have been reported to have loss of function effects (OMIM). (N) 0108 - This gene is known to be associated with both recessive and dominant disease (OMIM). (N) 0200 - Variant is predicted to result in a missense amino acid change from a leucine to a proline (exon 12). (N) 0253 - Variant is hemizygous. (N) 0301 - Variant is absent from gnomAD. (P) 0502 - Missense variant with conflicting in silico predictions and/or uninformative conservation. (N) 0603 - Missense variant in a region that is highly intolerant to missense variation (high constraint region) (Helicase c-terminal domain). (P) 0705 - No comparable variants have previous evidence for pathogenicity. (N) 0807 - Variant has not previously been reported in a clinical context. (N) 0905 - No segregation evidence has been identified for this variant. (N) 1007 - No published functional evidence has been identified for this variant. (N) Legend: (P) - Pathogenic, (N) - Neutral, (B) - Benign

NM_001356.5(DDX3X):c.1295T>C (p.Leu432Pro)

Gene: DDX3X (DEAD-box helicase 3 X-linked; plus strand). Cytogenetic location: Xp11.4.
Variant type: single nucleotide variant.
Coding change: c.1295T>C on transcript NM_001356.5 (MANE Select); coding-DNA position 1295, T replaced by C.
Protein change: p.Leu432Pro; replaces leucine 432 with proline.
Molecular consequence: missense variant. On other transcripts: non-coding transcript variant (1).
Genome position (GRCh38, 1-based): chrX:41,345,528, T>C. VCF-style: chrX-41345528-T-C. GRCh37 (hg19) VCF-style: chrX-41204781-T-C.
Other names: c.1295T>C, p.Leu432Pro (NM_001193416.3); c.1247T>C, p.Leu416Pro (NM_001193417.3); c.737T>C, p.Leu246Pro (NM_001363819.1); short protein forms L246P, L416P, L432P.
Identifiers: ClinVar variation 3376816 (VCV003376816.1).